The following is an entry in ClinVar:

NM_207361.6(FREM2):c.1364G>A (p.Arg455Gln)

Gene: FREM2 (FRAS1 related extracellular matrix 2; plus strand). Cytogenetic location: 13q13.3.
Variant type: single nucleotide variant.
Coding change: c.1364G>A on transcript NM_207361.6 (MANE Select); coding-DNA position 1364, G replaced by A.
Protein change: p.Arg455Gln; replaces arginine 455 with glutamine.
Molecular consequence: missense variant.
Genome position (GRCh38, 1-based): chr13:38,688,708, G>A. VCF-style: chr13-38688708-G-A. GRCh37 (hg19) VCF-style: chr13-39262845-G-A.
Other names: short protein forms R455Q.
Identifiers: ClinVar variation 1303789 (VCV001303789.5), dbSNP rs1217298919, ClinGen allele CA387885528.

ClinVar aggregate classification (germline): Uncertain significance. Review status: criteria provided, multiple submitters, no conflicts (2 of 4 stars). 2 submissions from 2 submitters: Uncertain significance (2). Last evaluated 2025-03-04.

Allele frequency attached by ClinVar (database versions not stated): gnomAD exomes below 0.00001; TOPMed below 0.00001.
gnomAD v4.1: 4 of 1,613,942 alleles (0.00025%); highest among the groups gnomAD compares: Non-Finnish European, 0.00017%; no homozygotes.

Submissions (2):

GeneDx
Classification: Uncertain significance. Last evaluated: 2025-03-04. Review status: criteria provided, single submitter. Criteria: GeneDx Variant Classification Process June 2021. Collection method: clinical testing. Allele origin: germline. Affected: yes.
Comment: Has not been previously published as pathogenic or benign to our knowledge; In silico analysis supports that this missense variant has a deleterious effect on protein structure/function; Not observed at significant frequency in large population cohorts (gnomAD)

Revvity Omics, Revvity
Classification: Uncertain significance. Last evaluated: 2021-04-14. Review status: criteria provided, single submitter. Criteria: ACMG Guidelines, 2015. Collection method: clinical testing. Allele origin: germline.